The following is an entry in ClinVar:

NM_001012720.2(RGR):c.763A>T (p.Lys255Ter)

Gene: RGR (retinal G protein coupled receptor; plus strand). Cytogenetic location: 10q23.1.
Variant type: single nucleotide variant.
Coding change: c.763A>T on transcript NM_001012720.2 (MANE Select); coding-DNA position 763, A replaced by T.
Protein change: p.Lys255Ter; replaces lysine 255 with a stop codon.
Molecular consequence: nonsense.
Genome position (GRCh38, 1-based): chr10:84,258,526, A>T. VCF-style: chr10-84258526-A-T. GRCh37 (hg19) VCF-style: chr10-86018282-A-T.
Other names: c.649A>T, p.Lys217Ter (NM_001012722.2); c.775A>T, p.Lys259Ter (NM_002921.4); short protein forms K255*, K217*, K259*.
Identifiers: ClinVar variation 1034568 (VCV001034568.8), dbSNP rs148706915, ClinGen allele CA210403296.

ClinVar aggregate classification (germline): Uncertain significance. Review status: criteria provided, multiple submitters, no conflicts (2 of 4 stars). 2 submissions from 2 submitters: Uncertain significance (2). Last evaluated 2024-04-25.

Allele frequency attached by ClinVar (database versions not stated): gnomAD exomes below 0.00001; gnomAD 0.00002; TOPMed 0.00005; ESP Exome Variant Server 0.00015.
gnomAD v4.1: 8 of 1,614,078 alleles (0.0005%); highest among the groups gnomAD compares: Non-Finnish European, 0.00068%; no homozygotes.

Submissions (2):

Blueprint Genetics
Classification: Uncertain significance. Last evaluated: 2024-04-25. Review status: criteria provided, single submitter. Criteria: ACMG Guidelines, 2015. Collection method: clinical testing. Allele origin: germline.

Labcorp Genetics (formerly Invitae), Labcorp
Classification: Uncertain significance. Last evaluated: 2020-02-07. Review status: criteria provided, single submitter. Criteria: Invitae Variant Classification Sherloc (09022015). Collection method: clinical testing. Allele origin: germline.
Comment: In summary, the available evidence is currently insufficient to determine the role of this variant in disease. Therefore, it has been classified as a Variant of Uncertain Significance. Experimental studies and prediction algorithms are not available or were not evaluated, and the functional significance of this variant is currently unknown. This variant has not been reported in the literature in individuals with RGR-related conditions. This variant is not present in population databases (ExAC no frequency). This sequence change results in a premature translational stop signal in the RGR gene (p.Lys255*). While this is not anticipated to result in nonsense mediated decay, it is expected to disrupt the last 37 amino acids of the RGR protein.